The following is an entry in ClinVar:

ClinVar aggregate classification (germline): Uncertain significance. Review status: criteria provided, multiple submitters, no conflicts (2 of 4 stars). 2 submissions from 2 submitters: Uncertain significance (2). Last evaluated 2025-04-28.

Conditions:
Inborn genetic diseases. Identifiers: MedGen C0950123, MeSH D030342.

Allele frequency attached by ClinVar (database versions not stated): gnomAD exomes 0.00003; ESP Exome Variant Server 0.00008.
gnomAD v4.1: 45 of 1,614,016 alleles (0.0028%); highest among the groups gnomAD compares: African/African-American, 0.0067%; no homozygotes.

Submissions (2):

Labcorp Genetics (formerly Invitae), Labcorp
Classification: Uncertain significance. Last evaluated: 2025-04-28. Review status: criteria provided, single submitter. Criteria: Invitae Variant Classification Sherloc (09022015). Collection method: clinical testing. Allele origin: germline.
Comment: This sequence change replaces arginine, which is basic and polar, with glutamine, which is neutral and polar, at codon 3049 of the VPS13D protein (p.Arg3049Gln). This variant is present in population databases (rs370041638, gnomAD 0.008%). This variant has not been reported in the literature in individuals affected with VPS13D-related conditions. ClinVar contains an entry for this variant (Variation ID: 2170447). Invitae Evidence Modeling of protein sequence and biophysical properties (such as structural, functional, and spatial information, amino acid conservation, physicochemical variation, residue mobility, and thermodynamic stability) indicates that this missense variant is not expected to disrupt VPS13D protein function with a negative predictive value of 80%. In summary, the available evidence is currently insufficient to determine the role of this variant in disease. Therefore, it has been classified as a Variant of Uncertain Significance.

Ambry Genetics
Classification: Uncertain significance for Inborn genetic diseases. Last evaluated: 2024-10-04. Review status: criteria provided, single submitter. Criteria: Ambry Variant Classification Scheme 2023. Collection method: clinical testing. Allele origin: germline.

NM_015378.4(VPS13D):c.9146G>A (p.Arg3049Gln)

Gene: VPS13D (vacuolar protein sorting 13 homolog D; plus strand). Cytogenetic location: 1p36.22.
Variant type: single nucleotide variant.
Coding change: c.9146G>A on transcript NM_015378.4 (MANE Select); coding-DNA position 9146, G replaced by A.
Protein change: p.Arg3049Gln; replaces arginine 3049 with glutamine.
Molecular consequence: missense variant.
Genome position (GRCh38, 1-based): chr1:12,348,899, G>A. VCF-style: chr1-12348899-G-A. GRCh37 (hg19) VCF-style: chr1-12408956-G-A.
Other names: c.9071G>A, p.Arg3024Gln (NM_018156.4); c.9146G>A (NM_015378.2); short protein forms R3049Q, R3024Q.
Identifiers: ClinVar variation 2170447 (VCV002170447.5), dbSNP rs370041638, ClinGen allele CA18050740.